The following is an entry in ClinVar:

ClinVar aggregate classification (germline): Uncertain significance. Review status: criteria provided, multiple submitters, no conflicts (2 of 4 stars). 2 submissions from 2 submitters: Uncertain significance (2). Last evaluated 2025-05-02.

Conditions:
Inborn genetic diseases. Identifiers: MedGen C0950123, MeSH D030342.

gnomAD v4.1: 74 of 1,613,936 alleles (0.0046%); highest among the groups gnomAD compares: Non-Finnish European, 0.0062%; no homozygotes.

Submissions (2):

Ambry Genetics
Classification: Uncertain significance for Inborn genetic diseases. Last evaluated: 2025-05-02. Review status: criteria provided, single submitter. Criteria: Ambry Variant Classification Scheme 2023. Collection method: clinical testing. Allele origin: germline.

GeneDx
Classification: Uncertain significance. Last evaluated: 2025-04-29. Review status: criteria provided, single submitter. Criteria: GeneDx Variant Classification Process June 2021. Collection method: clinical testing. Allele origin: germline. Affected: yes.
Comment: Not observed at significant frequency in large population cohorts (gnomAD); In silico analysis supports that this missense variant has a deleterious effect on protein structure/function; Has not been previously published as pathogenic or benign to our knowledge

NM_014363.6(SACS):c.601A>T (p.Thr201Ser)

Gene: SACS (sacsin molecular chaperone; minus strand). Cytogenetic location: 13q12.12.
Variant type: single nucleotide variant.
Coding change: c.601A>T on transcript NM_014363.6 (MANE Select); coding-DNA position 601, A replaced by T.
Protein change: p.Thr201Ser; replaces threonine 201 with serine.
Molecular consequence: missense variant.
Genome position (GRCh38, 1-based): chr13:23,358,338, T>A on the plus strand (A>T on the coding strand, the complement: SACS is on the minus strand). VCF-style: chr13-23358338-T-A. GRCh37 (hg19) VCF-style: chr13-23932477-T-A.
Other names: c.160A>T, p.Thr54Ser (NM_001278055.2); short protein forms T54S, T201S.
Identifiers: ClinVar variation 3949225 (VCV003949225.2).